The following is an entry in ClinVar:

NM_198994.3(TGM6):c.391G>A (p.Glu131Lys)

Gene: TGM6 (transglutaminase 6; plus strand). Cytogenetic location: 20p13.
Variant type: single nucleotide variant.
Coding change: c.391G>A on transcript NM_198994.3 (MANE Select); coding-DNA position 391, G replaced by A.
Protein change: p.Glu131Lys; replaces glutamic acid 131 with lysine.
Molecular consequence: missense variant.
Genome position (GRCh38, 1-based): chr20:2,395,403, G>A. VCF-style: chr20-2395403-G-A. GRCh37 (hg19) VCF-style: chr20-2376049-G-A.
Other names: c.391G>A, p.Glu131Lys (NM_001254734.2); short protein forms E131K.
Identifiers: ClinVar variation 3251515 (VCV003251515.1), dbSNP rs757415452.
Genomic context (GRCh38, chr20:2,395,403, plus strand): 5'-CGCTACCTGCTGAGCATCAGGCTTTCCTCTCACCGCAAACACAGCAACCGGAGGCTGGGC[G>A]AGTTTGTTCTCCTTTTCAACCCATGGTGTGCAGGTAGGAGTGGCCAAGTCCAATGCAGAG-3'
Protein context (NP_945345.2, residues 121-141): HRKHSNRRLG[Glu131Lys]FVLLFNPWCA

ClinVar aggregate classification (germline): Uncertain significance (1 of 4 stars; one submission).

Allele frequency attached by ClinVar (database versions not stated): TOPMed below 0.00001; gnomAD 0.00001; gnomAD exomes 0.00001; ExAC 0.00002.
gnomAD v4.1: 11 of 1,614,120 alleles (0.00068%); highest among the groups gnomAD compares: Admixed American, 0.0017%; no homozygotes.

Submission:

Women's Health and Genetics/Laboratory Corporation of America, LabCorp
Classification: Uncertain significance. Last evaluated: 2024-04-29. Review status: criteria provided, single submitter. Criteria: LabCorp Variant Classification Summary - May 2015. Collection method: clinical testing. Allele origin: germline.
Comment: Variant summary: TGM6 c.391G>A (p.Glu131Lys) results in a conservative amino acid change in the encoded protein sequence. Five of five in-silico tools predict a benign effect of the variant on protein function. The variant allele was found at a frequency of 8e-06 in 251494 control chromosomes. The available data on variant occurrences in the general population are insufficient to allow any conclusion about variant significance. To our knowledge, no occurrence of c.391G>A in individuals affected with Spinocerebellar Ataxia 35 and no experimental evidence demonstrating its impact on protein function have been reported. No submitters have cited clinical-significance assessments for this variant to ClinVar. Based on the evidence outlined above, the variant was classified as uncertain significance.